The following is an entry in ClinVar:

NM_001211.6(BUB1B):c.2555A>C (p.Glu852Ala)

Gene: BUB1B (BUB1 mitotic checkpoint serine/threonine kinase B; plus strand). Cytogenetic location: 15q15.1.
Variant type: single nucleotide variant.
Coding change: c.2555A>C on transcript NM_001211.6 (MANE Select); coding-DNA position 2555, A replaced by C.
Protein change: p.Glu852Ala; replaces glutamic acid 852 with alanine.
Molecular consequence: missense variant.
Genome position (GRCh38, 1-based): chr15:40,213,351, A>C. VCF-style: chr15-40213351-A-C. GRCh37 (hg19) VCF-style: chr15-40505552-A-C.
Other names: short protein forms E852A.
Identifiers: ClinVar variation 2585923 (VCV002585923.2), dbSNP rs755369007, ClinGen allele CA7476082.

ClinVar aggregate classification (germline): Uncertain significance (1 of 4 stars; one submission).

Conditions:
Inborn genetic diseases. Identifiers: MedGen C0950123, MeSH D030342.

Allele frequency attached by ClinVar (database versions not stated): gnomAD exomes below 0.00001; ExAC 0.00001.
gnomAD v4.1: 1 of 1,614,034 alleles (0.000062%); highest among the groups gnomAD compares: Non-Finnish European, 0.000085%; no homozygotes.

Submission:

Ambry Genetics
Classification: Uncertain significance for Inborn genetic diseases. Last evaluated: 2023-08-02. Review status: criteria provided, single submitter. Criteria: Ambry Variant Classification Scheme 2023. Collection method: clinical testing. Allele origin: germline.
Comment: The p.E852A variant (also known as c.2555A>C), located in coding exon 20 of the BUB1B gene, results from an A to C substitution at nucleotide position 2555. The glutamic acid at codon 852 is replaced by alanine, an amino acid with dissimilar properties. This amino acid position is conserved. In addition, this alteration is predicted to be tolerated by in silico analysis. Since supporting evidence is limited at this time, the clinical significance of this alteration remains unclear.